The following is an entry in ClinVar:

NM_001370259.2(MEN1):c.806A>T (p.Asp269Val)

Gene: MEN1 (menin 1; minus strand). Cytogenetic location: 11q13.1.
Variant type: single nucleotide variant.
Coding change: c.806A>T on transcript NM_001370259.2 (MANE Select); coding-DNA position 806, A replaced by T.
Protein change: p.Asp269Val; replaces aspartic acid 269 with valine.
Molecular consequence: missense variant. On other transcripts: non-coding transcript variant (4).
Genome position (GRCh38, 1-based): chr11:64,807,197, T>A on the plus strand (A>T on the coding strand, the complement: MEN1 is on the minus strand). VCF-style: chr11-64807197-T-A. GRCh37 (hg19) VCF-style: chr11-64574669-T-A.
Other names: c.701A>T, p.Asp234Val (NM_001370263.2, NM_001407148.1, NM_001407149.1 and 2 more transcripts); c.806A>T, p.Asp269Val (NM_001407142.1, NM_001407143.1, NM_001407144.1 and 7 more transcripts); c.821A>T, p.Asp274Val (NM_001407145.1, NM_001407150.1, NM_130800.3 and 5 more transcripts); short protein forms D234V, D274V, D269V.
Identifiers: ClinVar variation 3665227 (VCV003665227.2).
Genomic context (GRCh38, chr11:64,807,197, plus strand): 5'-CCGGCCTCACCAGGCGCAGCCTGGCCACTTCCCTCTACTGACCTTTCCAGATGTCCCAGG[T>A]CATAGAGCAGCCAGAGCAGCTTCTAGGAGCCGAAGGAGAGAGTTATGAGCCACGGAACAG-3'
Protein context (NP_001357188.2, residues 259-279): LQQKLLWLLY[Asp269Val]LGHLERYPMA

ClinVar aggregate classification (germline): Uncertain significance (1 of 4 stars; one submission).

Conditions:
Multiple endocrine neoplasia, type 1 (MEN1). Also called: MEN I; WERMER SYNDROME; Endocrine adenomatosis multiple; MEN 1; MEA I. Identifiers: Orphanet 652, MedGen C0025267, MeSH D018761, MONDO:0007540, OMIM 131100.

Submission:

Labcorp Genetics (formerly Invitae), Labcorp
Classification: Uncertain significance for Multiple endocrine neoplasia, type 1. Last evaluated: 2025-06-09. Review status: criteria provided, single submitter. Criteria: Invitae Variant Classification Sherloc (09022015). Collection method: clinical testing. Allele origin: germline.
Comment: This sequence change replaces aspartic acid, which is acidic and polar, with valine, which is neutral and non-polar, at codon 269 of the MEN1 protein (p.Asp269Val). This variant is not present in population databases (gnomAD no frequency). This variant has not been reported in the literature in individuals affected with MEN1-related conditions. ClinVar contains an entry for this variant (Variation ID: 3665227). Invitae Evidence Modeling of protein sequence and biophysical properties (such as structural, functional, and spatial information, amino acid conservation, physicochemical variation, residue mobility, and thermodynamic stability) indicates that this missense variant is expected to disrupt MEN1 protein function with a positive predictive value of 95%. In summary, the available evidence is currently insufficient to determine the role of this variant in disease. Therefore, it has been classified as a Variant of Uncertain Significance.